The following is an entry in ClinVar:

ClinVar aggregate classification (germline): Uncertain significance (1 of 4 stars; one submission).

Allele frequency attached by ClinVar (database versions not stated): gnomAD exomes below 0.00001; TOPMed below 0.00001; ExAC 0.00001.
gnomAD v4.1: 2 of 1,613,632 alleles (0.00012%); highest among the groups gnomAD compares: Non-Finnish European, 0.00017%; no homozygotes.

Submission:

Labcorp Genetics (formerly Invitae), Labcorp
Classification: Uncertain significance. Last evaluated: 2021-09-15. Review status: criteria provided, single submitter. Criteria: Invitae Variant Classification Sherloc (09022015). Collection method: clinical testing. Allele origin: germline.
Comment: In summary, the available evidence is currently insufficient to determine the role of this variant in disease. Therefore, it has been classified as a Variant of Uncertain Significance. Algorithms developed to predict the effect of missense changes on protein structure and function (SIFT, PolyPhen-2, Align-GVGD) all suggest that this variant is likely to be tolerated. This variant has not been reported in the literature in individuals affected with MME-related conditions. This variant is present in population databases (rs769969573, ExAC 0.002%). This sequence change replaces threonine with isoleucine at codon 339 of the MME protein (p.Thr339Ile). The threonine residue is weakly conserved and there is a moderate physicochemical difference between threonine and isoleucine.

NM_007289.4(MME):c.1016C>T (p.Thr339Ile)

Gene: MME (membrane metalloendopeptidase; plus strand). Cytogenetic location: 3q25.2.
Variant type: single nucleotide variant.
Coding change: c.1016C>T on transcript NM_007289.4 (MANE Select); coding-DNA position 1016, C replaced by T.
Protein change: p.Thr339Ile; replaces threonine 339 with isoleucine.
Molecular consequence: missense variant.
Genome position (GRCh38, 1-based): chr3:155,142,049, C>T. VCF-style: chr3-155142049-C-T. GRCh37 (hg19) VCF-style: chr3-154859838-C-T.
Other names: c.1016C>T, p.Thr339Ile (NM_001354642.2, NM_001354643.1, NM_007287.4 and 2 more transcripts); short protein forms T339I.
Identifiers: ClinVar variation 1381427 (VCV001381427.6), dbSNP rs769969573, ClinGen allele CA2675358.